The following is an entry in ClinVar:

NM_020442.6(VARS2):c.1583G>A (p.Trp528Ter)

Gene: VARS2 (valyl-tRNA synthetase 2, mitochondrial; plus strand). Cytogenetic location: 6p21.33.
Variant type: single nucleotide variant.
Coding change: c.1583G>A on transcript NM_020442.6 (MANE Select); coding-DNA position 1583, G replaced by A.
Protein change: p.Trp528Ter; replaces tryptophan 528 with a stop codon.
Molecular consequence: nonsense.
Genome position (GRCh38, 1-based): chr6:30,921,256, G>A. VCF-style: chr6-30921256-G-A. GRCh37 (hg19) VCF-style: chr6-30889033-G-A.
Other names: c.1163G>A, p.Trp388Ter (NM_001167733.3); c.1673G>A, p.Trp558Ter (NM_001167734.2); short protein forms W388*, W528*, W558*.
Identifiers: ClinVar variation 1708949 (VCV001708949.2), dbSNP rs2538661360, ClinGen allele CA363173597.

ClinVar aggregate classification (germline): Likely pathogenic (1 of 4 stars; one submission).

Conditions:
Combined oxidative phosphorylation defect type 20. Also called: Combined oxidative phosphorylation deficiency 20. Identifiers: Orphanet 420728, MedGen C4014660, MONDO:0014397, OMIM 615917.

Submission:

MGZ Medical Genetics Center
Classification: Likely pathogenic for Combined oxidative phosphorylation defect type 20. Last evaluated: 2021-10-22. Review status: criteria provided, single submitter. Criteria: ACMG Guidelines, 2015. Collection method: clinical testing. Allele origin: germline. Affected: yes. Observed: 1 variant allele.
Comment: ACMG criteria applied: PVS1, PM2_SUP